The following is an entry in ClinVar:

NM_005585.5(SMAD6):c.557G>A (p.Arg186His)

Gene: SMAD6 (SMAD family member 6; plus strand). Cytogenetic location: 15q22.31.
Variant type: single nucleotide variant.
Coding change: c.557G>A on transcript NM_005585.5 (MANE Select); coding-DNA position 557, G replaced by A.
Protein change: p.Arg186His; replaces arginine 186 with histidine.
Molecular consequence: missense variant. On other transcripts: non-coding transcript variant (1).
Genome position (GRCh38, 1-based): chr15:66,703,815, G>A. VCF-style: chr15-66703815-G-A. GRCh37 (hg19) VCF-style: chr15-66996153-G-A.
Other names: short protein forms R186H.
Identifiers: ClinVar variation 2118152 (VCV002118152.4), dbSNP rs1893039549, ClinGen allele CA392949787.
Genomic context (GRCh38, chr15:66,703,815, plus strand): 5'-TGCTGCTGGAGCAGGAACTCAAAACCGTCACGTACTCGCTGCTGAAGCGGCTCAAGGAGC[G>A]CTCGCTGGACACGCTGCTGGAGGCGGTGGAGTCCCGCGGCGGCGTGCCGGGCGGCTGCGT-3'
Protein context (NP_005576.3, residues 176-196): TYSLLKRLKE[Arg186His]SLDTLLEAVE

ClinVar aggregate classification (germline): Uncertain significance (1 of 4 stars; one submission).

Conditions:
Aortic valve disease 2 (AOVD2). Identifiers: MedGen C3542024, MONDO:0013902, OMIM 614823.

gnomAD v4.1: 5 of 1,427,354 alleles (0.00035%); highest among the groups gnomAD compares: African/African-American, 0.0015%; no homozygotes.

Submission:

Labcorp Genetics (formerly Invitae), Labcorp
Classification: Uncertain significance for Aortic valve disease 2. Last evaluated: 2022-03-27. Review status: criteria provided, single submitter. Criteria: Invitae Variant Classification Sherloc (09022015). Collection method: clinical testing. Allele origin: germline.
Comment: In summary, the available evidence is currently insufficient to determine the role of this variant in disease. Therefore, it has been classified as a Variant of Uncertain Significance. Algorithms developed to predict the effect of missense changes on protein structure and function are either unavailable or do not agree on the potential impact of this missense change (SIFT: "Tolerated"; PolyPhen-2: "Probably Damaging"; Align-GVGD: "Class C0"). This variant has not been reported in the literature in individuals affected with SMAD6-related conditions. This variant is not present in population databases (gnomAD no frequency). This sequence change replaces arginine, which is basic and polar, with histidine, which is basic and polar, at codon 186 of the SMAD6 protein (p.Arg186His).